The following is an entry in ClinVar:

ClinVar aggregate classification (germline): Uncertain significance. Review status: criteria provided, multiple submitters, no conflicts (2 of 4 stars). 2 submissions from 2 submitters: Uncertain significance (2). Last evaluated 2023-11-06.

Conditions:
Oligodontia-cancer predisposition syndrome. Also called: TOOTH AGENESIS-COLORECTAL CANCER SYNDROME. Identifiers: Orphanet 300576, MedGen C1837750, MONDO:0012075, OMIM 608615. Disease mechanism: loss of function.
Hereditary cancer-predisposing syndrome. Also called: Hereditary neoplastic syndrome; Neoplastic Syndromes, Hereditary; Tumor predisposition; Hereditary Cancer Syndrome. Identifiers: Orphanet 140162, MedGen C0027672, MeSH D009386, MONDO:0015356.

Submissions (2):

Ambry Genetics
Classification: Uncertain significance for Hereditary cancer-predisposing syndrome. Last evaluated: 2023-11-06. Review status: criteria provided, single submitter. Criteria: Ambry Variant Classification Scheme 2023. Collection method: clinical testing. Allele origin: germline.
Comment: The p.I166T variant (also known as c.497T>C), located in coding exon 1 of the AXIN2 gene, results from a T to C substitution at nucleotide position 497. The isoleucine at codon 166 is replaced by threonine, an amino acid with similar properties. This amino acid position is conserved. In addition, the in silico prediction for this alteration is inconclusive. Since supporting evidence is limited at this time, the clinical significance of this alteration remains unclear.

Labcorp Genetics (formerly Invitae), Labcorp
Classification: Uncertain significance for Oligodontia-cancer predisposition syndrome. Last evaluated: 2021-04-05. Review status: criteria provided, single submitter. Criteria: Invitae Variant Classification Sherloc (09022015). Collection method: clinical testing. Allele origin: germline.
Comment: This variant has not been reported in the literature in individuals with AXIN2-related disease. Algorithms developed to predict the effect of missense changes on protein structure and function (SIFT, PolyPhen-2, Align-GVGD) all suggest that this variant is likely to be disruptive, but these predictions have not been confirmed by published functional studies and their clinical significance is uncertain. In summary, the available evidence is currently insufficient to determine the role of this variant in disease. Therefore, it has been classified as a Variant of Uncertain Significance. This variant is not present in population databases (ExAC no frequency). This sequence change replaces isoleucine with threonine at codon 166 of the AXIN2 protein (p.Ile166Thr). The isoleucine residue is highly conserved and there is a moderate physicochemical difference between isoleucine and threonine.

NM_004655.4(AXIN2):c.497T>C (p.Ile166Thr)

Gene: AXIN2 (axin 2; minus strand). Cytogenetic location: 17q24.1.
Variant type: single nucleotide variant.
Coding change: c.497T>C on transcript NM_004655.4 (MANE Select); coding-DNA position 497, T replaced by C.
Protein change: p.Ile166Thr; replaces isoleucine 166 with threonine.
Molecular consequence: missense variant.
Genome position (GRCh38, 1-based): chr17:65,558,124, A>G on the plus strand (T>C on the coding strand, the complement: AXIN2 is on the minus strand). VCF-style: chr17-65558124-A-G. GRCh37 (hg19) VCF-style: chr17-63554242-A-G.
Other names: c.497T>C, p.Ile166Thr (NM_001363813.1); c.497T>C (LRG_296t1); short protein forms I166T.
Identifiers: ClinVar variation 533174 (VCV000533174.9), dbSNP rs1555583424, ClinGen allele CA400681162.